The following is an entry in ClinVar:

ClinVar aggregate classification (germline): Uncertain significance (1 of 4 stars; one submission).

Allele frequency attached by ClinVar (database versions not stated): gnomAD exomes below 0.00001; ExAC 0.00001; gnomAD 0.00001; TOPMed 0.00001; ESP Exome Variant Server 0.00008.
gnomAD v4.1: 1 of 1,609,536 alleles (0.000062%); no homozygotes.

Submission:

Labcorp Genetics (formerly Invitae), Labcorp
Classification: Uncertain significance. Last evaluated: 2022-08-31. Review status: criteria provided, single submitter. Criteria: Invitae Variant Classification Sherloc (09022015). Collection method: clinical testing. Allele origin: germline.
Comment: This sequence change replaces alanine, which is neutral and non-polar, with valine, which is neutral and non-polar, at codon 994 of the TUBGCP6 protein (p.Ala994Val). This variant is present in population databases (rs369763317, gnomAD 0.007%). This variant has not been reported in the literature in individuals affected with TUBGCP6-related conditions. ClinVar contains an entry for this variant (Variation ID: 1364480). Algorithms developed to predict the effect of missense changes on protein structure and function are either unavailable or do not agree on the potential impact of this missense change (SIFT: "Deleterious"; PolyPhen-2: "Benign"; Align-GVGD: "Class C0"). In summary, the available evidence is currently insufficient to determine the role of this variant in disease. Therefore, it has been classified as a Variant of Uncertain Significance.

NM_020461.4(TUBGCP6):c.2981C>T (p.Ala994Val)

Gene: TUBGCP6 (tubulin gamma complex component 6; minus strand). Cytogenetic location: 22q13.33.
Variant type: single nucleotide variant.
Coding change: c.2981C>T on transcript NM_020461.4 (MANE Select); coding-DNA position 2981, C replaced by T.
Protein change: p.Ala994Val; replaces alanine 994 with valine.
Molecular consequence: missense variant.
Genome position (GRCh38, 1-based): chr22:50,221,378, G>A on the plus strand (C>T on the coding strand, the complement: TUBGCP6 is on the minus strand). VCF-style: chr22-50221378-G-A. GRCh37 (hg19) VCF-style: chr22-50659807-G-A.
Other names: short protein forms A994V.
Identifiers: ClinVar variation 1364480 (VCV001364480.8), dbSNP rs369763317, ClinGen allele CA10308079.